The following is an entry in ClinVar:

ClinVar aggregate classification (germline): Uncertain significance. Review status: criteria provided, multiple submitters, no conflicts (2 of 4 stars). 2 submissions from 2 submitters: Uncertain significance (2). Last evaluated 2025-07-02.

Conditions:
Cardiomyopathy (CMYO). Also called: Cardiomyopathies. Identifiers: Orphanet 167848, MedGen C0878544, MONDO:0004994, HP:0001638. Inheritance: Various modes of inheritance.

gnomAD v4.1: 5 of 1,611,716 alleles (0.00031%); highest among the groups gnomAD compares: East Asian, 0.0022%; no homozygotes.

Submissions (2):

Color Diagnostics, LLC DBA Color Health
Classification: Uncertain significance for Cardiomyopathy. Last evaluated: 2025-07-02. Review status: criteria provided, single submitter. Criteria: ACMG Guidelines, 2015. Collection method: clinical testing. Allele origin: germline.
Comment: This missense variant replaces threonine with methionine at codon 1423 of the RYR2 protein. Computational prediction suggests that this variant may have a deleterious impact on protein structure and function. To our knowledge, functional studies have not been reported for this variant. This variant has not been reported in individuals affected with RYR2-related disorders in the literature. This variant has been identified in 2/245380 chromosomes in the general population by the Genome Aggregation Database (gnomAD). The available evidence is insufficient to determine the role of this variant in disease conclusively. Therefore, this variant is classified as a Variant of Uncertain Significance.

GeneDx
Classification: Uncertain significance. Last evaluated: 2024-12-23. Review status: criteria provided, single submitter. Criteria: GeneDx Variant Classification Process June 2021. Collection method: clinical testing. Allele origin: germline. Affected: yes.
Comment: Not located in one of the three hot-spot regions of the RYR2 gene, where the majority of pathogenic missense variants occur (PMID: 19926015); Not observed at significant frequency in large population cohorts (gnomAD); In silico analysis supports that this missense variant has a deleterious effect on protein structure/function; Has not been previously published as pathogenic or benign to our knowledge; This variant is associated with the following publications: (PMID: 19926015)

NM_001035.3(RYR2):c.4268C>T (p.Thr1423Met)

Gene: RYR2 (ryanodine receptor 2; plus strand). Cytogenetic location: 1q43.
Variant type: single nucleotide variant.
Coding change: c.4268C>T on transcript NM_001035.3 (MANE Select); coding-DNA position 4268, C replaced by T.
Protein change: p.Thr1423Met; replaces threonine 1423 with methionine.
Molecular consequence: missense variant.
Genome position (GRCh38, 1-based): chr1:237,591,846, C>T. VCF-style: chr1-237591846-C-T. GRCh37 (hg19) VCF-style: chr1-237755146-C-T.
Other names: short protein forms T1423M.
Identifiers: ClinVar variation 3906536 (VCV003906536.2).